The following is an entry in ClinVar:

ClinVar aggregate classification (germline): Uncertain significance (1 of 4 stars; one submission).

Conditions:
Hypercholesterolemia, autosomal dominant, 3 (FHCL3). Also called: Familial Hypercholesterolemia, Autosomal Dominant, 3; PCSK9-Related Familial Hypercholesterolemia, Autosomal Dominant; Familial hypercholesterolemia 3. Identifiers: MedGen C1863551, MONDO:0011369, OMIM 603776.

Allele frequency attached by ClinVar (database versions not stated): gnomAD exomes below 0.00001.
gnomAD v4.1: 1 of 1,614,040 alleles (0.000062%); highest among the groups gnomAD compares: Non-Finnish European, 0.000085%; no homozygotes.

Submission:

All of Us Research Program, National Institutes of Health
Classification: Uncertain significance for Hypercholesterolemia, autosomal dominant, 3. Last evaluated: 2023-05-04. Review status: criteria provided, single submitter. Criteria: ACMG Guidelines, 2015. Collection method: clinical testing. Allele origin: germline. Inheritance: Autosomal dominant inheritance. Observed: 1 variant allele, 1 heterozygote.
Comment: This missense variant replaces leucine with proline at codon 185 of the PCSK9 protein. Computational prediction suggests that this variant may have deleterious impact on protein structure and function (internally defined REVEL score threshold >= 0.7, PMID: 27666373). To our knowledge, functional studies have not been reported for this variant. This variant has not been reported in individuals affected with PCSK9-related disorders in the literature. This variant has not been identified in the general population by the Genome Aggregation Database (gnomAD). The available evidence is insufficient to determine the role of this variant in disease conclusively. Therefore, this variant is classified as a Variant of Uncertain Significance.

This study involves interpretation of variants in research participants for the purpose of population health screening. Participant phenotype was not available at the time of variant classification. Additional details can be found in publication PMID: 35346344, PMCID: PMC8962531

NM_174936.4(PCSK9):c.554T>C (p.Leu185Pro)

Gene: PCSK9 (proprotein convertase subtilisin/kexin type 9; plus strand). Cytogenetic location: 1p32.3.
Variant type: single nucleotide variant.
Coding change: c.554T>C on transcript NM_174936.4 (MANE Select); coding-DNA position 554, T replaced by C.
Protein change: p.Leu185Pro; replaces leucine 185 with proline.
Molecular consequence: missense variant. On other transcripts: non-coding transcript variant (8).
Genome position (GRCh38, 1-based): chr1:55,052,308, T>C. VCF-style: chr1-55052308-T-C. GRCh37 (hg19) VCF-style: chr1-55517981-T-C.
Other names: c.677T>C, p.Leu226Pro (NM_001407240.1); c.554T>C, p.Leu185Pro (NM_001407241.1, NM_001407242.1, NM_001407244.1 and 1 more transcripts); c.497T>C, p.Leu166Pro (NM_001407243.1); c.362T>C, p.Leu121Pro (NM_001407245.1); c.179T>C, p.Leu60Pro (NM_001407246.1); short protein forms L185P, L226P, L60P, L121P, L166P.
Identifiers: ClinVar variation 3070808 (VCV003070808.1), dbSNP rs2523223921, ClinGen allele CA340473101.